The following is an entry in ClinVar:

NM_000256.3(MYBPC3):c.3797G>A (p.Cys1266Tyr)

Gene: MYBPC3 (myosin binding protein C3; minus strand). Cytogenetic location: 11p11.2.
Variant type: single nucleotide variant.
Coding change: c.3797G>A on transcript NM_000256.3 (MANE Select); coding-DNA position 3797, G replaced by A.
Protein change: p.Cys1266Tyr; replaces cysteine 1266 with tyrosine.
Molecular consequence: missense variant.
Genome position (GRCh38, 1-based): chr11:47,332,089, C>T on the plus strand (G>A on the coding strand, the complement: MYBPC3 is on the minus strand). VCF-style: chr11-47332089-C-T. GRCh37 (hg19) VCF-style: chr11-47353640-C-T.
Other names: short protein forms C1266Y.
Identifiers: ClinVar variation 42743 (VCV000042743.25), dbSNP rs397516041, ClinGen allele CA014925.

ClinVar aggregate classification (germline): Uncertain significance. Review status: criteria provided, multiple submitters, no conflicts (2 of 4 stars). 7 submissions from 7 submitters: Uncertain significance (7). Last evaluated 2026-01-28.

Conditions:
Cardiovascular phenotype. Identifiers: MedGen CN230736.
Hypertrophic cardiomyopathy 4. Also called: Familial hypertrophic cardiomyopathy 4. Identifiers: MedGen C1861862, MONDO:0007268, OMIM 115197.
Left ventricular noncompaction 10 (LVNC10). Identifiers: Orphanet 154, Orphanet 54260, MedGen C3715165, MONDO:0014163, OMIM 615396.
Hypertrophic cardiomyopathy. Also called: HYPERTROPHIC MYOCARDIOPATHY. Identifiers: Orphanet 217569, MedGen C0007194, MeSH D002312, MONDO:0005045, HP:0001639.

Submissions (7):

Labcorp Genetics (formerly Invitae), Labcorp
Classification: Uncertain significance for Hypertrophic cardiomyopathy. Last evaluated: 2026-01-28. Review status: criteria provided, single submitter. Criteria: Invitae Variant Classification Sherloc (09022015). Collection method: clinical testing. Allele origin: germline.
Comment: This sequence change replaces cysteine, which is neutral and slightly polar, with tyrosine, which is neutral and polar, at codon 1266 of the MYBPC3 protein (p.Cys1266Tyr). This variant is not present in population databases (gnomAD no frequency). This missense change has been observed in individuals with hypertrophic cardiomyopathy (PMID: 22267749, 27532257, 32009526, 33782553, 37652022; internal data). ClinVar contains an entry for this variant (Variation ID: 42743). An algorithm developed to predict the effect of missense changes on protein structure and function (PolyPhen-2) suggests that this variant is likely to be disruptive. This variant disrupts the p.Cys1266 amino acid residue in MYBPC3. Other variant(s) that disrupt this residue have been observed in individuals with MYBPC3-related conditions (internal data), which suggests that this may be a clinically significant amino acid residue. In summary, the available evidence is currently insufficient to determine the role of this variant in disease. Therefore, it has been classified as a Variant of Uncertain Significance.

Women's Health and Genetics/Laboratory Corporation of America, LabCorp
Classification: Uncertain significance. Last evaluated: 2025-09-15. Review status: criteria provided, single submitter. Criteria: LabCorp Variant Classification Summary - May 2015. Collection method: clinical testing. Allele origin: germline.
Comment: Variant summary: MYBPC3 c.3797G>A (p.Cys1266Tyr) results in a non-conservative amino acid change located in the Immunoglobulin-like domain (IPR007110) of the encoded protein sequence. Algorithms developed to predict the effect of missense changes on protein structure and function are either unavailable or do not agree on the potential impact of this missense change. The variant was absent in 248458 control chromosomes. The available data on variant occurrences in the general population are insufficient to allow any conclusion about variant significance. c.3797G>A has been observed in individual(s) affected with Hypertrophic Cardiomyopathy (Page_2012, Walsh_2017, Pottinger_2020, Norrish_2019, Thompson_2021, Tadros_2021, McGurk_2023). These data do not allow any conclusion about variant significance. To our knowledge, no experimental evidence demonstrating an impact on protein function has been reported. The following publications have been ascertained in the context of this evaluation (PMID: 22267749, 27532257, 31006259, 32009526, 33495596, 33782553, 37652022). ClinVar contains an entry for this variant (Variation ID: 42743). Based on the evidence outlined above, the variant was classified as uncertain significance.

Laboratory for Molecular Medicine, Mass General Brigham Personalized Medicine
Classification: Uncertain significance. Last evaluated: 2023-09-18. Review status: criteria provided, single submitter. Criteria: ACMG Guidelines, 2015. Collection method: clinical testing. Allele origin: germline.
Comment: The p.Cys1266Tyr variant in MYBPC3 has been reported in at least 2 individuals with hypertrophic cardiomyopathy (HCM) and segregated with disease in 1 affected relative. (Page 2012 PMID: 22267749, Walsh 2017 PMID: 27532257, Thompson 2021 PMID: 33782553, LMM internal data). It was also identified in 1 individual with a clinical diagnosis of cardiomyopathy with no additional details provided (Pottinger 2020 PMID: 32009526). This variant has been reported by other clinical laboratories in ClinVar (Variation ID 42743) and was absent from large population studies (gnomAD v.3.1.2). Computational prediction tools and conservation analyses do not provide strong support for or against an impact to the protein. In summary, the clinical significance of this variant is uncertain. ACMG/AMP Criteria applied: PM2_Supporting, PS4_Supporting.

Ambry Genetics
Classification: Uncertain significance for Cardiovascular phenotype. Last evaluated: 2023-06-23. Review status: criteria provided, single submitter. Criteria: Ambry Variant Classification Scheme 2023. Collection method: clinical testing. Allele origin: germline.
Comment: The p.C1266Y variant (also known as c.3797G>A), located in coding exon 33 of the MYBPC3 gene, results from a G to A substitution at nucleotide position 3797. The cysteine at codon 1266 is replaced by tyrosine, an amino acid with highly dissimilar properties. This alteration has been reported in hypertrophic cardiomyopathy (HCM) cohorts; however, clinical details were limited (Page SP et al. Circ Cardiovasc Genet, 2012 Apr;5:156-66; Walsh R et al. Genet. Med., 2017 02;19:192-203; Norrish G et al. Circulation, 2019 Jul;140:184-192). This amino acid position is highly conserved in available vertebrate species. In addition, this alteration is predicted to be deleterious by in silico analysis. Since supporting evidence is limited at this time, the clinical significance of this alteration remains unclear.

All of Us Research Program, National Institutes of Health
Classification: Uncertain significance for Hypertrophic cardiomyopathy. Last evaluated: 2023-05-31. Review status: criteria provided, single submitter. Criteria: ACMG Guidelines, 2015. Collection method: clinical testing. Allele origin: germline. Inheritance: Autosomal dominant inheritance. Observed: 1 variant allele, 1 heterozygote.
Comment: This study involves interpretation of variants in research participants for the purpose of population health screening. Participant phenotype was not available at the time of variant classification. Additional details can be found in publication PMID: 35346344, PMCID: PMC8962531

Fulgent Genetics
Classification: Uncertain significance for Hypertrophic cardiomyopathy 4; Left ventricular noncompaction 10. Last evaluated: 2021-09-23. Review status: criteria provided, single submitter. Criteria: ACMG Guidelines, 2015. Collection method: clinical testing. Allele origin: unknown.

GeneDx
Classification: Uncertain significance. Last evaluated: 2020-07-23. Review status: criteria provided, single submitter. Criteria: GeneDx Variant Classification Process June 2021. Collection method: clinical testing. Allele origin: germline. Affected: yes.
Comment: Reported in ClinVar as a variant of uncertain significance (ClinVar Variant ID# 42743; Landrum et al., 2016); Not observed in large population cohorts (Lek et al., 2016); In silico analysis supports that this missense variant has a deleterious effect on protein structure/function; This variant is associated with the following publications: (PMID: 27532257, 22267749, 31006259)

Literature cited by the submitters: PubMed 22267749 (cited by 3 submitters); PubMed 27532257 (cited by 3 submitters); PubMed 32009526 (cited by Labcorp Genetics (formerly Invitae), Labcorp and Women's Health and Genetics/Laboratory Corporation of America, LabCorp); PubMed 33782553 (cited by Labcorp Genetics (formerly Invitae), Labcorp and Women's Health and Genetics/Laboratory Corporation of America, LabCorp); PubMed 37652022 (cited by Labcorp Genetics (formerly Invitae), Labcorp and Women's Health and Genetics/Laboratory Corporation of America, LabCorp); PubMed 31006259 (cited by Women's Health and Genetics/Laboratory Corporation of America, LabCorp and Ambry Genetics); PubMed 33495596 (cited by Women's Health and Genetics/Laboratory Corporation of America, LabCorp).